The following is an entry in ClinVar:

ClinVar aggregate classification (germline): Uncertain significance. Review status: criteria provided, multiple submitters, no conflicts (2 of 4 stars). 6 submissions from 6 submitters: Uncertain significance (6). Last evaluated 2025-07-08.

Conditions:
Arrhythmogenic right ventricular dysplasia 10. Also called: Arrhythmogenic Right Ventricular Dysplasia/Cardiomyopathy10; ARRHYTHMOGENIC RIGHT VENTRICULAR DYSPLASIA, FAMILIAL, 10; Arrhythmogenic right ventricular dysplasia/cardiomyopathy, type 10. Identifiers: MedGen C1857777, MONDO:0012434, OMIM 610193.
Dilated cardiomyopathy 1BB (CMD1BB). Also called: CARDIOMYOPATHY, DILATED, 1BB, SUSCEPTIBILITY TO. Identifiers: Orphanet 154, MedGen C2752072, MONDO:0013030, OMIM 612877.
Cardiovascular phenotype. Identifiers: MedGen CN230736.
Arrhythmogenic right ventricular cardiomyopathy (ARVD). Also called: Arrhythmogenic cardiomyopathy; Cardiomyopathy, ARVC; Arrhythmogenic right ventricular dysplasia; Arrhythmogenic Right Ventricular Cardiomyopathy (ARVC). Identifiers: Orphanet 247, MedGen C0349788, MeSH D019571, MONDO:0016587. Disease mechanism: loss of function. Inheritance: Various modes of inheritance.
Cardiomyopathy (CMYO). Also called: Cardiomyopathies. Identifiers: Orphanet 167848, MedGen C0878544, MONDO:0004994, HP:0001638. Inheritance: Various modes of inheritance.

Allele frequency attached by ClinVar (database versions not stated): gnomAD exomes below 0.00001; gnomAD 0.00001.
gnomAD v4.1: 8 of 1,613,942 alleles (0.0005%); highest among the groups gnomAD compares: Non-Finnish European, 0.00068%; no homozygotes.

Submissions (6):

Labcorp Genetics (formerly Invitae), Labcorp
Classification: Uncertain significance for Arrhythmogenic right ventricular dysplasia 10. Last evaluated: 2025-07-08. Review status: criteria provided, single submitter. Criteria: Invitae Variant Classification Sherloc (09022015). Collection method: clinical testing. Allele origin: germline.
Comment: This sequence change replaces threonine, which is neutral and polar, with isoleucine, which is neutral and non-polar, at codon 480 of the DSG2 protein (p.Thr480Ile). This variant is not present in population databases (gnomAD no frequency). This variant has not been reported in the literature in individuals affected with DSG2-related conditions. ClinVar contains an entry for this variant (Variation ID: 662464). Invitae Evidence Modeling of protein sequence and biophysical properties (such as structural, functional, and spatial information, amino acid conservation, physicochemical variation, residue mobility, and thermodynamic stability) has been performed for this missense variant. However, the output from this modeling did not meet the statistical confidence thresholds required to predict the impact of this variant on DSG2 protein function. In summary, the available evidence is currently insufficient to determine the role of this variant in disease. Therefore, it has been classified as a Variant of Uncertain Significance.

All of Us Research Program, National Institutes of Health
Classification: Uncertain significance for Arrhythmogenic right ventricular cardiomyopathy. Last evaluated: 2024-04-25. Review status: criteria provided, single submitter. Criteria: ACMG Guidelines, 2015. Collection method: clinical testing. Allele origin: germline. Inheritance: Autosomal dominant inheritance. Observed: 8 variant alleles, 8 heterozygotes.
Comment: This missense variant replaces threonine with isoleucine at codon 480 of the DSG2 protein. Computational prediction suggests that this variant may have deleterious impact on protein structure and function (internally defined REVEL score threshold >= 0.7, PMID: 27666373). To our knowledge, functional studies have not been reported for this variant. This variant has not been reported in individuals affected with cardiovascular disorders in the literature. This variant has not been identified in the general population by the Genome Aggregation Database (gnomAD). The available evidence is insufficient to determine the role of this variant in disease conclusively. Therefore, this variant is classified as a Variant of Uncertain Significance.

This study involves interpretation of variants in research participants for the purpose of population health screening. Participant phenotype was not available at the time of variant classification. Additional details can be found in publication PMID: 35346344, PMCID: PMC8962531

Color Diagnostics, LLC DBA Color Health
Classification: Uncertain significance for Cardiomyopathy. Last evaluated: 2024-04-16. Review status: criteria provided, single submitter. Criteria: ACMG Guidelines, 2015. Collection method: clinical testing. Allele origin: germline.
Comment: This missense variant replaces threonine with isoleucine at codon 480 of the DSG2 protein. Computational prediction suggests that this variant may have deleterious impact on protein structure and function. To our knowledge, functional studies have not been reported for this variant. This variant has not been reported in individuals affected with cardiovascular disorders in the literature. This variant has not been identified in the general population by the Genome Aggregation Database (gnomAD). The available evidence is insufficient to determine the role of this variant in disease conclusively. Therefore, this variant is classified as a Variant of Uncertain Significance.

AiLife Diagnostics
Classification: Uncertain significance. Last evaluated: 2021-12-27. Review status: criteria provided, single submitter. Criteria: ACMG Guidelines, 2015. Collection method: clinical testing. Allele origin: germline. Affected: yes. Observed: 1 variant allele.

Ambry Genetics
Classification: Uncertain significance for Cardiovascular phenotype. Last evaluated: 2021-11-24. Review status: criteria provided, single submitter. Criteria: Ambry Variant Classification Scheme 2023. Collection method: clinical testing. Allele origin: germline.
Comment: The p.T480I variant (also known as c.1439C>T), located in coding exon 11 of the DSG2 gene, results from a C to T substitution at nucleotide position 1439. The threonine at codon 480 is replaced by isoleucine, an amino acid with similar properties. This variant was initially reported in an asymptomatic individual from an arrhythmogenic right ventricular cardiomyopathy (ARVC) variant study, who had normal transthoracic echocardiography results and also had a PKP2 variant detected (Perrin MJ et al. J Am Coll Cardiol, 2013 Nov;62:1772-9). This variant has also been reported in arrhythmia cohorts; however, clinical details were limited (Adler A et al. Circ Arrhythm Electrophysiol, 2016 Jan;9:e003440; VanDyke RE et al. J Genet Couns, 2021 04;30:503-512). This amino acid position is highly conserved in available vertebrate species. In addition, the in silico prediction for this alteration is inconclusive. Since supporting evidence is limited at this time, the clinical significance of this alteration remains unclear.

Fulgent Genetics
Classification: Uncertain significance for Arrhythmogenic right ventricular dysplasia 10; Dilated cardiomyopathy 1BB. Last evaluated: 2021-07-01. Review status: criteria provided, single submitter. Criteria: ACMG Guidelines, 2015. Collection method: clinical testing. Allele origin: unknown.

Literature cited by the submitters: PubMed 23810883 (cited by AiLife Diagnostics and Ambry Genetics); PubMed 26743238 (cited by Ambry Genetics); PubMed 30885746 (cited by Ambry Genetics); PubMed 33029862 (cited by Ambry Genetics).

NM_001943.5(DSG2):c.1439C>T (p.Thr480Ile)

Gene: DSG2 (desmoglein 2; plus strand). Cytogenetic location: 18q12.1.
Variant type: single nucleotide variant.
Coding change: c.1439C>T on transcript NM_001943.5 (MANE Select); coding-DNA position 1439, C replaced by T.
Protein change: p.Thr480Ile; replaces threonine 480 with isoleucine.
Molecular consequence: missense variant.
Genome position (GRCh38, 1-based): chr18:31,536,217, C>T. VCF-style: chr18-31536217-C-T. GRCh37 (hg19) VCF-style: chr18-29116180-C-T.
Other names: c.1439C>T (LRG_397t1); short protein forms T480I.
Identifiers: ClinVar variation 662464 (VCV000662464.21), dbSNP rs1598819592, ClinGen allele CA402141199.